The following is an entry in ClinVar:

ClinVar aggregate classification (germline): Likely pathogenic (1 of 4 stars; one submission).

Submission:

GeneDx
Classification: Likely pathogenic. Last evaluated: 2021-02-16. Review status: criteria provided, single submitter. Criteria: GeneDx Variant Classification Process June 2021. Collection method: clinical testing. Allele origin: germline. Affected: yes.
Comment: Nonsense variant predicted to result in protein truncation or nonsense mediated decay in a gene for which loss-of-function is a known mechanism of disease; Not observed in large population cohorts (Lek et al., 2016; McVean et al., 2012; Exome Variant Server); Has not been previously published as pathogenic or benign to our knowledge

NM_006030.4(CACNA2D2):c.1023C>A (p.Cys341Ter)

Gene: CACNA2D2 (calcium voltage-gated channel auxiliary subunit alpha2delta 2; minus strand). Cytogenetic location: 3p21.31.
Variant type: single nucleotide variant.
Coding change: c.1023C>A on transcript NM_006030.4 (MANE Select); coding-DNA position 1023, C replaced by A.
Protein change: p.Cys341Ter; replaces cysteine 341 with a stop codon.
Molecular consequence: nonsense.
Genome position (GRCh38, 1-based): chr3:50,379,561, G>T on the plus strand (C>A on the coding strand, the complement: CACNA2D2 is on the minus strand). VCF-style: chr3-50379561-G-T. GRCh37 (hg19) VCF-style: chr3-50416992-G-T.
Other names: c.1023C>A, p.Cys341Ter (NM_001174051.3, NM_001005505.3); c.816C>A, p.Cys272Ter (NM_001291101.1); short protein forms C341*, C272*.
Identifiers: ClinVar variation 620551 (VCV000620551.2), dbSNP rs1553729881, ClinGen allele CA352936713.
Genomic context (GRCh38, chr3:50,379,561, plus strand): 5'-CTGCACAGCTTCCTTGAACACCTTCTTGTTGCGCACATTGGCCTGCACCAGGTGTGTGAA[G>T]CATGACACAGGCTGTGCCTTCTCGTTGAACTGCAGGAACAGTAGGGTGGTGAGTGGCCTC-3'